The following is an entry in ClinVar:

NM_004168.4(SDHA):c.1630G>A (p.Gly544Arg)

Gene: SDHA (succinate dehydrogenase complex flavoprotein subunit A; plus strand). Cytogenetic location: 5p15.33.
Variant type: single nucleotide variant.
Coding change: c.1630G>A on transcript NM_004168.4 (MANE Select); coding-DNA position 1630, G replaced by A.
Protein change: p.Gly544Arg; replaces glycine 544 with arginine.
Molecular consequence: missense variant. On other transcripts: intron variant (1).
Genome position (GRCh38, 1-based): chr5:251,070, G>A. VCF-style: chr5-251070-G-A. GRCh37 (hg19) VCF-style: chr5-251185-G-A.
Other names: c.1486G>A, p.Gly496Arg (NM_001294332.2); c.1552-3323G>A (NM_001330758.2); c.1630G>A (NM_004168.2); short protein forms G496R, G544R.
Identifiers: ClinVar variation 936237 (VCV000936237.11), dbSNP rs1338347881, ClinGen allele CA358998721.

ClinVar aggregate classification (germline): Uncertain significance. Review status: criteria provided, multiple submitters, no conflicts (2 of 4 stars). 2 submissions from 2 submitters: Uncertain significance (2). Last evaluated 2026-01-06.

Conditions:
Hereditary cancer-predisposing syndrome. Also called: Hereditary Cancer Syndrome; Neoplastic Syndromes, Hereditary; Tumor predisposition; Hereditary neoplastic syndrome. Identifiers: Orphanet 140162, MedGen C0027672, MeSH D009386, MONDO:0015356.
Mitochondrial complex II deficiency, nuclear type 1. Also called: SUCCINATE CoQ REDUCTASE DEFICIENCY. Identifiers: Orphanet 3208, MedGen C5700310, MONDO:0100294, OMIM 252011.
Pheochromocytoma/paraganglioma syndrome 5. Also called: Paragangliomas 5; SDHA-Related Hereditary Paraganglioma-Pheochromocytoma Syndrome. Identifiers: Orphanet 29072, MedGen C3279992, MONDO:0013602, OMIM 614165.

Allele frequency attached by ClinVar (database versions not stated): TOPMed below 0.00001; gnomAD 0.00001.

Submissions (2):

Ambry Genetics
Classification: Uncertain significance for Hereditary cancer-predisposing syndrome. Last evaluated: 2026-01-06. Review status: criteria provided, single submitter. Criteria: Ambry Variant Classification Scheme 2023. Collection method: clinical testing. Allele origin: germline.
Comment: The p.G544R variant (also known as c.1630G>A), located in coding exon 12 of the SDHA gene, results from a G to A substitution at nucleotide position 1630. The glycine at codon 544 is replaced by arginine, an amino acid with dissimilar properties. This amino acid position is conserved. In addition, this alteration is predicted to be tolerated by in silico analysis. Based on the available evidence, the clinical significance of this variant remains unclear.

Labcorp Genetics (formerly Invitae), Labcorp
Classification: Uncertain significance for Pheochromocytoma/paraganglioma syndrome 5; Mitochondrial complex II deficiency, nuclear type 1. Last evaluated: 2023-09-10. Review status: criteria provided, single submitter. Criteria: Invitae Variant Classification Sherloc (09022015). Collection method: clinical testing. Allele origin: germline.
Comment: In summary, the available evidence is currently insufficient to determine the role of this variant in disease. Therefore, it has been classified as a Variant of Uncertain Significance. Advanced modeling of protein sequence and biophysical properties (such as structural, functional, and spatial information, amino acid conservation, physicochemical variation, residue mobility, and thermodynamic stability) performed at Invitae indicates that this missense variant is not expected to disrupt SDHA protein function. ClinVar contains an entry for this variant (Variation ID: 936237). This variant has not been reported in the literature in individuals affected with SDHA-related conditions. This variant is not present in population databases (gnomAD no frequency). This sequence change replaces glycine, which is neutral and non-polar, with arginine, which is basic and polar, at codon 544 of the SDHA protein (p.Gly544Arg).